The following is an entry in ClinVar:

ClinVar aggregate classification (germline): Uncertain significance (1 of 4 stars; one submission).

Conditions:
Inborn genetic diseases. Identifiers: MedGen C0950123, MeSH D030342.

gnomAD v4.1: 2 of 1,613,684 alleles (0.00012%); highest among the groups gnomAD compares: Non-Finnish European, 0.00017%; no homozygotes.

Submission:

Ambry Genetics
Classification: Uncertain significance for Inborn genetic diseases. Last evaluated: 2025-01-20. Review status: criteria provided, single submitter. Criteria: Ambry Variant Classification Scheme 2023. Collection method: clinical testing. Allele origin: germline.
Comment: The p.E1133D variant (also known as c.3399G>T), located in coding exon 24 of the ANKRD26 gene, results from a G to T substitution at nucleotide position 3399. The glutamic acid at codon 1133 is replaced by aspartic acid, an amino acid with highly similar properties. This amino acid position is conserved. In addition, this alteration is predicted to be tolerated by in silico analysis. Based on the available evidence, the clinical significance of this variant remains unclear.

NM_014915.3(ANKRD26):c.3399G>T (p.Glu1133Asp)

Gene: ANKRD26 (ankyrin repeat domain containing 26; minus strand). Cytogenetic location: 10p12.1.
Variant type: single nucleotide variant.
Coding change: c.3399G>T on transcript NM_014915.3 (MANE Select); coding-DNA position 3399, G replaced by T.
Protein change: p.Glu1133Asp; replaces glutamic acid 1133 with aspartic acid.
Molecular consequence: missense variant.
Genome position (GRCh38, 1-based): chr10:27,035,051, C>A on the plus strand (G>T on the coding strand, the complement: ANKRD26 is on the minus strand). VCF-style: chr10-27035051-C-A. GRCh37 (hg19) VCF-style: chr10-27323980-C-A.
Other names: c.3396G>T, p.Glu1132Asp (NM_001256053.2); short protein forms E1132D, E1133D.
Identifiers: ClinVar variation 3870650 (VCV003870650.1).